The following is an entry in ClinVar:

ClinVar aggregate classification (germline): Likely benign (0 of 4 stars; one submission).

Conditions:
HK2-related disorder. Also called: HK2-related condition.

Allele frequency attached by ClinVar (database versions not stated): ExAC 0.00009; gnomAD 0.00003; TOPMed 0.00002; 1000 Genomes Project 30x 0.00031; 1000 Genomes Project 0.00040.
gnomAD v4.1: 28 of 1,613,922 alleles (0.0017%); highest among the groups gnomAD compares: Middle Eastern, 0.017%; no homozygotes.

Submission:

PreventionGenetics, part of Exact Sciences
Classification: Likely benign for HK2-related condition. Last evaluated: 2019-04-25. Review status: no assertion criteria provided. Collection method: clinical testing. Allele origin: germline.
Comment: This variant is classified as likely benign based on ACMG/AMP sequence variant interpretation guidelines (Richards et al. 2015 PMID: 25741868, with internal and published modifications).

NM_000189.5(HK2):c.2556C>T (p.Asp852=)

Gene: HK2 (hexokinase 2; plus strand). Cytogenetic location: 2p12.
Variant type: single nucleotide variant.
Coding change: c.2556C>T on transcript NM_000189.5 (MANE Select); coding-DNA position 2556, C replaced by T.
Protein change: p.Asp852=; no amino-acid change (aspartic acid 852 retained).
Molecular consequence: synonymous variant.
Genome position (GRCh38, 1-based): chr2:74,889,425, C>T. VCF-style: chr2-74889425-C-T. GRCh37 (hg19) VCF-style: chr2-75116552-C-T.
Other names: c.2472C>T, p.Asp824= (NM_001371525.2).
Identifiers: ClinVar variation 3057631 (VCV003057631.2), dbSNP rs527677004, ClinGen allele CA1731748.